The following is an entry in ClinVar:

ClinVar aggregate classification (germline): Uncertain significance (1 of 4 stars; one submission).

Conditions:
Very long chain acyl-CoA dehydrogenase deficiency (ACADVLD). Also called: Very Long-Chain Acyl-Coenzyme A Dehydrogenase Deficiency; VLCAD Deficiency. Identifiers: Orphanet 26793, MedGen C3887523, MONDO:0008723, OMIM 201475.

Allele frequency attached by ClinVar (database versions not stated): gnomAD exomes below 0.00001; TOPMed 0.00001.
gnomAD v4.1: 1 of 1,614,060 alleles (0.000062%); no homozygotes.

Submission:

Labcorp Genetics (formerly Invitae), Labcorp
Classification: Uncertain significance for Very long chain acyl-CoA dehydrogenase deficiency. Last evaluated: 2021-12-22. Review status: criteria provided, single submitter. Criteria: Invitae Variant Classification Sherloc (09022015). Collection method: clinical testing. Allele origin: germline.
Comment: In summary, the available evidence is currently insufficient to determine the role of this variant in disease. Therefore, it has been classified as a Variant of Uncertain Significance. Algorithms developed to predict the effect of missense changes on protein structure and function (SIFT, PolyPhen-2, Align-GVGD) all suggest that this variant is likely to be tolerated. ClinVar contains an entry for this variant (Variation ID: 1008013). This variant has not been reported in the literature in individuals affected with ACADVL-related conditions. This variant is present in population databases (no rsID available, gnomAD 0.0009%). This sequence change replaces valine, which is neutral and non-polar, with alanine, which is neutral and non-polar, at codon 326 of the ACADVL protein (p.Val326Ala).

NM_000018.4(ACADVL):c.977T>C (p.Val326Ala)

Gene: ACADVL (acyl-CoA dehydrogenase very long chain; plus strand). Cytogenetic location: 17p13.1.
Variant type: single nucleotide variant.
Coding change: c.977T>C on transcript NM_000018.4 (MANE Select); coding-DNA position 977, T replaced by C.
Protein change: p.Val326Ala; replaces valine 326 with alanine.
Molecular consequence: missense variant.
Genome position (GRCh38, 1-based): chr17:7,222,765, T>C. VCF-style: chr17-7222765-T-C. GRCh37 (hg19) VCF-style: chr17-7126084-T-C.
Other names: c.911T>C, p.Val304Ala (NM_001033859.3); c.1046T>C, p.Val349Ala (NM_001270447.2); c.749T>C, p.Val250Ala (NM_001270448.2); short protein forms V250A, V304A, V326A, V349A.
Identifiers: ClinVar variation 1008013 (VCV001008013.6), dbSNP rs1205407134, ClinGen allele CA397724088.